The following is an entry in ClinVar:

ClinVar aggregate classification (germline): Pathogenic (1 of 4 stars; one submission).

Conditions:
Hereditary breast ovarian cancer syndrome. Also called: Hereditary breast and/or ovarian cancer syndrome; Hereditary breast and ovarian cancer syndrome; BRCA1- and BRCA2-Associated Hereditary Breast and Ovarian Cancer; Breast and ovarian cancer; Hereditary breast and ovarian cancer; Hereditary breast and ovarian cancer syndrome (HBOC). Identifiers: Orphanet 145, MedGen C0677776, MeSH D061325, MONDO:0003582. Disease mechanism: loss of function.

Submission:

Labcorp Genetics (formerly Invitae), Labcorp
Classification: Pathogenic for Hereditary breast ovarian cancer syndrome. Last evaluated: 2022-07-20. Review status: criteria provided, single submitter. Criteria: Invitae Variant Classification Sherloc (09022015). Collection method: clinical testing. Allele origin: germline.
Comment: This sequence change creates a premature translational stop signal (p.Lys168Alafs*12) in the BRCA1 gene. It is expected to result in an absent or disrupted protein product. Loss-of-function variants in BRCA1 are known to be pathogenic (PMID: 20104584). For these reasons, this variant has been classified as Pathogenic. This variant has not been reported in the literature in individuals affected with BRCA1-related conditions. This variant is not present in population databases (gnomAD no frequency).

Literature cited by the submitters: PubMed 20104584.

NM_007294.4(BRCA1):c.502_506del (p.Lys168fs)

Gene: BRCA1 (BRCA1 DNA repair associated; minus strand). Cytogenetic location: 17q21.31.
Variant type: Deletion.
Coding change: c.502_506del on transcript NM_007294.4 (MANE Select); coding-DNA positions 502 to 506, 5 bases deleted (AAGCA; older notation c.502_506delAAGCA).
Protein change: p.Lys168fs; shifts the reading frame from lysine 168.
Molecular consequence: frameshift variant. On other transcripts: non-coding transcript variant (1).
Genome position (GRCh38, 1-based): chr17:43,099,816-43,099,820, TGCTT deleted on the plus strand (AAGCA on the coding strand, the reverse complement: BRCA1 is on the minus strand); deleting any 5 consecutive bases within chr17:43,099,816-43,099,822 gives the same sequence; the c. name uses the placement nearest the transcript's 3' end. VCF-style (leftmost placement, unchanged base first): chr17-43099815-CTGCTT-C. GRCh37 (hg19) VCF-style: chr17-41251832-CTGCTT-C.
Other names: c.287_291delCAAAG, p.Lys97Alafs (NM_001407571.1, NM_001407853.1, NM_001407894.1 and 18 more transcripts); c.500_504delCAAAG, p.Lys168Alafs (NM_001407581.1, NM_001407582.1, NM_001407583.1 and 95 more transcripts); c.497_501delCAAAG, p.Lys167Alafs (NM_001407587.1, NM_001407590.1, NM_001407591.1 and 65 more transcripts); c.491_495delCAAAG, p.Lys165Alafs (NM_001407646.1, NM_001407647.1, NM_001408408.1); c.422_426delCAAAG, p.Lys142Alafs (NM_001407653.1, NM_001407654.1, NM_001407655.1 and 12 more transcripts); c.419_423delCAAAG, p.Lys141Alafs (NM_001407659.1, NM_001407660.1, NM_001407661.1 and 6 more transcripts); c.359_363delCAAAG, p.Lys121Alafs (NM_001407692.1, NM_001407694.1, NM_001407695.1 and 60 more transcripts); c.356_360delCAAAG, p.Lys120Alafs (NM_001407740.1, NM_001407741.1, NM_001407742.1 and 35 more transcripts); and 6 more; short protein forms K121fs, K168fs.
Identifiers: ClinVar variation 2018284 (VCV002018284.4), dbSNP rs2552239689, ClinGen allele CA2580094156.